The following is an entry in ClinVar:

NM_000135.4(FANCA):c.3954C>G (p.Leu1318=)

Genes: FANCA (FA complementation group A; minus strand), ZNF276 (zinc finger protein 276; plus strand). Cytogenetic location: 16q24.3.
Variant type: single nucleotide variant.
Coding change: c.3954C>G on transcript NM_000135.4 (MANE Select); coding-DNA position 3954, C replaced by G.
Protein change: p.Leu1318=; no amino-acid change (leucine 1318 retained).
Molecular consequence: synonymous variant. On other transcripts: 3 prime UTR variant (2), non-coding transcript variant (4).
Genome position (GRCh38, 1-based): chr16:89,739,534, G>C on the plus strand (C>G on the coding strand, the complement: FANCA is on the minus strand). VCF-style: chr16-89739534-G-C. GRCh37 (hg19) VCF-style: chr16-89805942-G-C.
Other names: c.3954C>G, p.Leu1318= (NM_001286167.3); c.*1288G>C (NM_001113525.2, NM_152287.4).
Identifiers: ClinVar variation 701116 (VCV000701116.13), dbSNP rs187297609, ClinGen allele CA286617255.

ClinVar aggregate classification (germline): Likely benign. Review status: criteria provided, multiple submitters, no conflicts (2 of 4 stars). 3 submissions from 3 submitters: Likely benign (3). Last evaluated 2026-07-01.

Conditions:
Inborn genetic diseases. Identifiers: MedGen C0950123, MeSH D030342.
Fanconi anemia (FA). Also called: Fanconi's anemia. Identifiers: Orphanet 84, MedGen C0015625, MeSH D005199, MONDO:0019391.

Allele frequency attached by ClinVar (database versions not stated): gnomAD 0.00001; TOPMed 0.00001; 1000 Genomes Project 0.00020; 1000 Genomes Project 30x 0.00031.
gnomAD v4.1: 21 of 1,551,352 alleles (0.0014%); highest among the groups gnomAD compares: Admixed American, 0.025%; no homozygotes.

Submissions (3):

CeGaT Center for Human Genetics Tuebingen
Classification: Likely benign. Last evaluated: 2026-07-01. Review status: criteria provided, single submitter. Criteria: CeGaT Center For Human Genetics Tuebingen Variant Classification Criteria Version 2. Collection method: clinical testing. Allele origin: germline. Affected: yes. Observed: 1 variant allele.
Comment: FANCA: BP4, BP7

Labcorp Genetics (formerly Invitae), Labcorp
Classification: Likely benign for Fanconi anemia. Last evaluated: 2025-11-18. Review status: criteria provided, single submitter. Criteria: Invitae Variant Classification Sherloc (09022015). Collection method: clinical testing. Allele origin: germline.

Ambry Genetics
Classification: Likely benign for Inborn genetic diseases. Last evaluated: 2024-11-17. Review status: criteria provided, single submitter. Criteria: Ambry Variant Classification Scheme 2023. Collection method: clinical testing. Allele origin: germline.